The following is an entry in ClinVar:

NM_005159.5(ACTC1):c.858G>T (p.Lys286Asn)

Genes: ACTC1 (actin alpha cardiac muscle 1; minus strand), GJD2-DT (GJD2 divergent transcript; plus strand). Cytogenetic location: 15q14.
Variant type: single nucleotide variant.
Coding change: c.858G>T on transcript NM_005159.5 (MANE Select); coding-DNA position 858, G replaced by T.
Protein change: p.Lys286Asn; replaces lysine 286 with asparagine.
Molecular consequence: missense variant.
Genome position (GRCh38, 1-based): chr15:34,791,246, C>A on the plus strand (G>T on the coding strand, the complement: ACTC1 is on the minus strand). VCF-style: chr15-34791246-C-A. GRCh37 (hg19) VCF-style: chr15-35083447-C-A.
Other names: c.858G>T, p.Lys286Asn (NM_001406482.1, NM_001406483.1); c.723G>T, p.Lys241Asn (NM_001406484.1); c.417G>T, p.Lys139Asn (NM_001406485.1); short protein forms K139N, K241N, K286N.
Identifiers: ClinVar variation 3751003 (VCV003751003.2).

ClinVar aggregate classification (germline): Uncertain significance (1 of 4 stars; one submission).

Conditions:
Atrial septal defect 5 (ASD5). Identifiers: Orphanet 1478, MedGen C2748552, MONDO:0013011, OMIM 612794.
Dilated cardiomyopathy 1R (CMD1R). Identifiers: Orphanet 154, Orphanet 54260, MedGen C3150681, MONDO:0013261, OMIM 613424.
Hypertrophic cardiomyopathy 11. Also called: ACTC1-Related Familial Hypertrophic Cardiomyopathy. Identifiers: MedGen C2677506, MONDO:0012799, OMIM 612098.

Submission:

Labcorp Genetics (formerly Invitae), Labcorp
Classification: Uncertain significance for Dilated cardiomyopathy 1R; Hypertrophic cardiomyopathy 11; Atrial septal defect 5. Last evaluated: 2024-12-08. Review status: criteria provided, single submitter. Criteria: Invitae Variant Classification Sherloc (09022015). Collection method: clinical testing. Allele origin: germline.
Comment: This sequence change replaces lysine, which is basic and polar, with asparagine, which is neutral and polar, at codon 286 of the ACTC1 protein (p.Lys286Asn). This variant is not present in population databases (gnomAD no frequency). This variant has not been reported in the literature in individuals affected with ACTC1-related conditions. Invitae Evidence Modeling of protein sequence and biophysical properties (such as structural, functional, and spatial information, amino acid conservation, physicochemical variation, residue mobility, and thermodynamic stability) indicates that this missense variant is not expected to disrupt ACTC1 protein function with a negative predictive value of 80%. In summary, the available evidence is currently insufficient to determine the role of this variant in disease. Therefore, it has been classified as a Variant of Uncertain Significance.